The following is an entry in ClinVar:

ClinVar aggregate classification (germline): Uncertain significance (1 of 4 stars; one submission).

Conditions:
Autosomal recessive limb-girdle muscular dystrophy type 2J (LGMDR10). Also called: Limb-girdle muscular dystrophy, type 2J; MUSCULAR DYSTROPHY, LIMB-GIRDLE, AUTOSOMAL RECESSIVE 10. Identifiers: Orphanet 140922, MedGen C1837342, MONDO:0012127, OMIM 608807.
Dilated cardiomyopathy 1G (CMD1G). Identifiers: Orphanet 154, MedGen C1858763, MONDO:0011400, OMIM 604145.

Submission:

Labcorp Genetics (formerly Invitae), Labcorp
Classification: Uncertain significance for Dilated cardiomyopathy 1G; Autosomal recessive limb-girdle muscular dystrophy type 2J. Last evaluated: 2022-04-08. Review status: criteria provided, single submitter. Criteria: Invitae Variant Classification Sherloc (09022015). Collection method: clinical testing. Allele origin: germline.
Comment: In summary, the available evidence is currently insufficient to determine the role of this variant in disease. Therefore, it has been classified as a Variant of Uncertain Significance. This variant is located in the M band of TTN (PMID: 25589632). Variants in this region may be relevant for neuromuscular disorders, but have not been definitively shown to cause cardiomyopathy (PMID: 23975875). Experimental studies and prediction algorithms are not available or were not evaluated, and the functional significance of this variant is currently unknown. This variant has not been reported in the literature in individuals affected with TTN-related conditions. This variant is not present in population databases (gnomAD no frequency). This sequence change replaces valine, which is neutral and non-polar, with glycine, which is neutral and non-polar, at codon 33802 of the TTN protein (p.Val33802Gly).

Literature cited by the submitters: PubMed 25589632; PubMed 23975875.

NM_001267550.2(TTN):c.101405T>G (p.Val33802Gly)

Genes: TTN (titin; minus strand), TTN-AS1 (TTN antisense RNA 1; plus strand). Cytogenetic location: 2q31.2.
Variant type: single nucleotide variant.
Coding change: c.101405T>G on transcript NM_001267550.2 (MANE Select); coding-DNA position 101405, T replaced by G.
Protein change: p.Val33802Gly; replaces valine 33802 with glycine.
Molecular consequence: missense variant.
Genome position (GRCh38, 1-based): chr2:178,535,210, A>C on the plus strand (T>G on the coding strand, the complement: TTN is on the minus strand). VCF-style: chr2-178535210-A-C. GRCh37 (hg19) VCF-style: chr2-179399937-A-C.
Other names: c.96482T>G, p.Val32161Gly (NM_001256850.1); c.74210T>G, p.Val24737Gly (NM_003319.4); c.93701T>G, p.Val31234Gly (NM_133378.4); c.74585T>G, p.Val24862Gly (NM_133432.3); c.74786T>G, p.Val24929Gly (NM_133437.4); short protein forms V24737G, V24862G, V32161G, V31234G, V24929G, V33802G.
Identifiers: ClinVar variation 2171650 (VCV002171650.4), dbSNP rs2468567187, ClinGen allele CA349420781.